The following is an entry in ClinVar:

ClinVar aggregate classification (germline): Uncertain significance. Review status: criteria provided, multiple submitters, no conflicts (2 of 4 stars). 2 submissions from 2 submitters: Uncertain significance (2). Last evaluated 2025-03-03.

Conditions:
Autosomal dominant nonsyndromic hearing loss 1. Also called: KONIGSMARK SYNDROME; DEAFNESS, AUTOSOMAL DOMINANT 1, WITH OR WITHOUT THROMBOCYTOPENIA. Identifiers: Orphanet 90635, MedGen C1852282, MONDO:0007424, OMIM 124900.
Progressive microcephaly-seizures-cortical blindness-developmental delay syndrome. Also called: Seizures, cortical blindness, and microcephaly syndrome. Identifiers: Orphanet 477814, MedGen C5567650, MONDO:0014714, OMIM 616632.
Inborn genetic diseases. Identifiers: MedGen C0950123, MeSH D030342.

Allele frequency attached by ClinVar (database versions not stated): gnomAD 0.00001; TOPMed 0.00002; 1000 Genomes Project 30x 0.00016.
gnomAD v4.1: 25 of 1,513,146 alleles (0.0017%); highest among the groups gnomAD compares: East Asian, 0.0028%; no homozygotes.

Submissions (2):

Labcorp Genetics (formerly Invitae), Labcorp
Classification: Uncertain significance for Progressive microcephaly-seizures-cortical blindness-developmental delay syndrome; Autosomal dominant nonsyndromic hearing loss 1. Last evaluated: 2025-03-03. Review status: criteria provided, single submitter. Criteria: Invitae Variant Classification Sherloc (09022015). Collection method: clinical testing. Allele origin: germline.
Comment: This sequence change replaces serine, which is neutral and polar, with arginine, which is basic and polar, at codon 7 of the DIAPH1 protein (p.Ser7Arg). This variant is not present in population databases (gnomAD no frequency). This variant has not been reported in the literature in individuals affected with DIAPH1-related conditions. ClinVar contains an entry for this variant (Variation ID: 2333894). Experimental studies and prediction algorithms are not available or were not evaluated, and the functional significance of this variant is currently unknown. In summary, the available evidence is currently insufficient to determine the role of this variant in disease. Therefore, it has been classified as a Variant of Uncertain Significance.

Ambry Genetics
Classification: Uncertain significance for Inborn genetic diseases. Last evaluated: 2022-12-08. Review status: criteria provided, single submitter. Criteria: Ambry Variant Classification Scheme 2023. Collection method: clinical testing. Allele origin: germline.

NM_005219.5(DIAPH1):c.21C>G (p.Ser7Arg)

Gene: DIAPH1 (diaphanous related formin 1; minus strand). Cytogenetic location: 5q31.3.
Variant type: single nucleotide variant.
Coding change: c.21C>G on transcript NM_005219.5 (MANE Select); coding-DNA position 21, C replaced by G.
Protein change: p.Ser7Arg; replaces serine 7 with arginine.
Molecular consequence: missense variant.
Genome position (GRCh38, 1-based): chr5:141,618,894, G>C on the plus strand (C>G on the coding strand, the complement: DIAPH1 is on the minus strand). VCF-style: chr5-141618894-G-C. GRCh37 (hg19) VCF-style: chr5-140998461-G-C.
Other names: c.21C>G, p.Ser7Arg (NM_001079812.3, NM_001314007.2); short protein forms S7R.
Identifiers: ClinVar variation 2333894 (VCV002333894.5), dbSNP rs1413707800, ClinGen allele CA361508935.